The following is an entry in ClinVar:

ClinVar aggregate classification (germline): Benign/Likely benign. Review status: criteria provided, multiple submitters, no conflicts (2 of 4 stars). 3 submissions from 3 submitters: Benign (1); Likely benign (1). 1 of the submissions does not count toward it. Last evaluated 2026-01-06.

Conditions:
Glomerulopathy with fibronectin deposits 2 (GFND2). Identifiers: Orphanet 84090, MedGen C1866075, MONDO:0011165, OMIM 601894.
Spondylometaphyseal dysplasia - Sutcliffe type. Also called: Sutcliffe type of spondylometaphyseal dysplasia; Sutcliffe SMD; Spondylometaphyseal Dysplasia, Corner Fracture Type; Spondylometaphyseal dysplasia, 'corner fracture' type. Identifiers: Orphanet 93315, MedGen C0432221, MONDO:0008479, OMIM 184255.
FN1-related disorder. Also called: FN1-related condition.

Allele frequency attached by ClinVar (database versions not stated): gnomAD exomes 0.00010; ExAC 0.00012; 1000 Genomes Project 30x 0.00016; 1000 Genomes Project 0.00020; gnomAD 0.00036 and 0.00040; TOPMed 0.00045; ESP Exome Variant Server 0.00046.
gnomAD v4.1: 115 of 1,614,090 alleles (0.0071%); highest among the groups gnomAD compares: African/African-American, 0.12%; no homozygotes.

Submissions (3):

Labcorp Genetics (formerly Invitae), Labcorp
Classification: Benign. Last evaluated: 2026-01-06. Review status: criteria provided, single submitter. Criteria: Invitae Variant Classification Sherloc (09022015). Collection method: clinical testing. Allele origin: germline.

Fulgent Genetics
Classification: Likely benign for Spondylometaphyseal dysplasia - Sutcliffe type; Glomerulopathy with fibronectin deposits 2. Last evaluated: 2021-08-20. Review status: criteria provided, single submitter. Criteria: ACMG Guidelines, 2015. Collection method: clinical testing. Allele origin: unknown.

PreventionGenetics, part of Exact Sciences
Classification: Likely benign for FN1-related condition. Last evaluated: 2019-05-02. Review status: no assertion criteria provided. Collection method: clinical testing. Allele origin: germline. Not counted in ClinVar's aggregate classification.
Comment: This variant is classified as likely benign based on ACMG/AMP sequence variant interpretation guidelines (Richards et al. 2015 PMID: 25741868, with internal and published modifications).

NM_212482.4(FN1):c.5532A>C (p.Arg1844=)

Gene: FN1 (fibronectin 1; minus strand). Cytogenetic location: 2q35.
Variant type: single nucleotide variant.
Coding change: c.5532A>C on transcript NM_212482.4 (MANE Select); coding-DNA position 5532, A replaced by C.
Protein change: p.Arg1844=; no amino-acid change (arginine 1844 retained).
Molecular consequence: synonymous variant.
Genome position (GRCh38, 1-based): chr2:215,379,220, T>G on the plus strand (A>C on the coding strand, the complement: FN1 is on the minus strand). VCF-style: chr2-215379220-T-G. GRCh37 (hg19) VCF-style: chr2-216243943-T-G.
Other names: c.4989A>C, p.Arg1663= (NM_001365523.2, NM_212474.3, NM_212476.3 and 2 more transcripts); c.5259A>C, p.Arg1753= (NM_001365524.2, NM_002026.4, NM_212478.3 and 2 more transcripts); c.5532A>C, p.Arg1844= (NM_001306129.2); c.5262A>C, p.Arg1754= (NM_001306130.2, NM_001365517.2, NM_001365519.2 and 2 more transcripts).
Identifiers: ClinVar variation 725308 (VCV000725308.12), dbSNP rs149965879, ClinGen allele CA2094121.